The following is an entry in ClinVar:

ClinVar aggregate classification (germline): Uncertain significance (1 of 4 stars; one submission).

Allele frequency attached by ClinVar (database versions not stated): gnomAD exomes below 0.00001 and 0.00001.
gnomAD v4.1: 3 of 1,613,900 alleles (0.00019%); highest among the groups gnomAD compares: South Asian, 0.0022%; no homozygotes.

Submission:

Labcorp Genetics (formerly Invitae), Labcorp
Classification: Uncertain significance. Last evaluated: 2022-11-01. Review status: criteria provided, single submitter. Criteria: Invitae Variant Classification Sherloc (09022015). Collection method: clinical testing. Allele origin: germline.
Comment: In summary, the available evidence is currently insufficient to determine the role of this variant in disease. Therefore, it has been classified as a Variant of Uncertain Significance. Advanced modeling of protein sequence and biophysical properties (such as structural, functional, and spatial information, amino acid conservation, physicochemical variation, residue mobility, and thermodynamic stability) performed at Invitae indicates that this missense variant is expected to disrupt RCBTB1 protein function. This sequence change replaces glycine, which is neutral and non-polar, with glutamic acid, which is acidic and polar, at codon 55 of the RCBTB1 protein (p.Gly55Glu). The frequency data for this variant in the population databases is considered unreliable, as metrics indicate poor data quality at this position in the gnomAD database. This variant has not been reported in the literature in individuals affected with RCBTB1-related conditions. ClinVar contains an entry for this variant (Variation ID: 1505274).

NM_018191.4(RCBTB1):c.164G>A (p.Gly55Glu)

Gene: RCBTB1 (RCC1 and BTB domain containing protein 1; minus strand). Cytogenetic location: 13q14.2.
Variant type: single nucleotide variant.
Coding change: c.164G>A on transcript NM_018191.4 (MANE Select); coding-DNA position 164, G replaced by A.
Protein change: p.Gly55Glu; replaces glycine 55 with glutamic acid.
Molecular consequence: missense variant. On other transcripts: 5 prime UTR variant (1), non-coding transcript variant (2).
Genome position (GRCh38, 1-based): chr13:49,566,731, C>T on the plus strand (G>A on the coding strand, the complement: RCBTB1 is on the minus strand). VCF-style: chr13-49566731-C-T. GRCh37 (hg19) VCF-style: chr13-50140867-C-T.
Other names: c.164G>A, p.Gly55Glu (NM_001352500.2, NM_001352501.2, NM_001352502.2 and 3 more transcripts); c.-446G>A (NM_001352506.2); short protein forms G55E.
Identifiers: ClinVar variation 1505274 (VCV001505274.6), dbSNP rs1373489174, ClinGen allele CA388195789.
Genomic context (GRCh38, chr13:49,566,731, plus strand): 5'-TTCTTTCCACATAAGCCTTCTAGCTTTTTGGGTACAAGTGTACTCTGGTTATCTCCAGTT[C>T]CTAGACAGTTACTATAGTTCAGTCCAAATACAAAGACCTAGAAAATAGATAGTTTTTTTT-3'
Protein context (NP_060661.3, residues 45-65): VFGLNYSNCL[Gly55Glu]TGDNQSTLVP